The following is an entry in ClinVar:

NM_018124.4(RFWD3):c.1254A>G (p.Gln418=)

Gene: RFWD3 (ring finger and WD repeat domain 3; minus strand). Cytogenetic location: 16q23.1.
Variant type: single nucleotide variant.
Coding change: c.1254A>G on transcript NM_018124.4 (MANE Select); coding-DNA position 1254, A replaced by G.
Protein change: p.Gln418=; no amino-acid change (glutamine 418 retained).
Molecular consequence: synonymous variant.
Genome position (GRCh38, 1-based): chr16:74,636,518, T>C on the plus strand (A>G on the coding strand, the complement: RFWD3 is on the minus strand). VCF-style: chr16-74636518-T-C. GRCh37 (hg19) VCF-style: chr16-74670416-T-C.
Other names: c.1254A>G, p.Gln418= (NM_001370534.1, NM_001370535.1, NM_001370536.1); c.420A>G, p.Gln140= (NM_001370537.1, NM_001370539.1, NM_001370540.1 and 3 more transcripts).
Identifiers: ClinVar variation 3026479 (VCV003026479.22), dbSNP rs763643624, ClinGen allele CA8169264.

ClinVar aggregate classification (germline): Likely benign (1 of 4 stars; one submission).

Allele frequency attached by ClinVar (database versions not stated): gnomAD 0.00001; TOPMed 0.00001.
gnomAD v4.1: 38 of 1,613,950 alleles (0.0024%); highest among the groups gnomAD compares: Non-Finnish European, 0.0031%; no homozygotes.

Submission:

CeGaT Center for Human Genetics Tuebingen
Classification: Likely benign. Last evaluated: 2024-01-01. Review status: criteria provided, single submitter. Criteria: CeGaT Center For Human Genetics Tuebingen Variant Classification Criteria Version 2. Collection method: clinical testing. Allele origin: germline. Affected: yes. Observed: 1 variant allele.
Comment: RFWD3: BP4, BP7